The following is an entry in ClinVar:

NM_176787.5(PIGN):c.2371-7C>G

Gene: PIGN (phosphatidylinositol glycan anchor biosynthesis class N; minus strand). Cytogenetic location: 18q21.33.
Variant type: single nucleotide variant.
Coding change: c.2371-7C>G on transcript NM_176787.5 (MANE Select); 7 bases into the intron before coding-DNA position 2371, C replaced by G.
Molecular consequence: intron variant.
Genome position (GRCh38, 1-based): chr18:62,085,271, G>C on the plus strand (C>G on the coding strand, the complement: PIGN is on the minus strand). VCF-style: chr18-62085271-G-C. GRCh37 (hg19) VCF-style: chr18-59752504-G-C.
Other names: c.2371-7C>G (NM_012327.6).
Identifiers: ClinVar variation 1500402 (VCV001500402.8), dbSNP rs2145962770, ClinGen allele CA2573155507.
Genomic context (GRCh38, chr18:62,085,271, plus strand): 5'-GTTAATAGAAGCTATATTTCCAGTTCCAAAAAATGCTGTCACTAAGAAGAAAACCTAAAG[G>C]GAGTCAAGGAAATGGCAAAACAACTCAGATTTCATACAAATTTCCTTTTCATTTAGAAAA-3'

ClinVar aggregate classification (germline): Uncertain significance (1 of 4 stars; one submission).

Conditions:
Multiple congenital anomalies-hypotonia-seizures syndrome 1 (MCAHS1). Also called: PIGN-CDG; Congenital disorder of glycosylation due to PIGN deficiency; GLYCOSYLPHOSPHATIDYLINOSITOL BIOSYNTHESIS DEFECT 3. Identifiers: Orphanet 280633, MedGen C3279775, MONDO:0013563, OMIM 614080.

Submission:

Labcorp Genetics (formerly Invitae), Labcorp
Classification: Uncertain significance for Multiple congenital anomalies-hypotonia-seizures syndrome 1. Last evaluated: 2020-11-16. Review status: criteria provided, single submitter. Criteria: Invitae Variant Classification Sherloc (09022015). Collection method: clinical testing. Allele origin: germline.
Comment: In summary, the available evidence is currently insufficient to determine the role of this variant in disease. Therefore, it has been classified as a Variant of Uncertain Significance. Algorithms developed to predict the effect of sequence changes on RNA splicing suggest that this variant may disrupt the consensus splice site, but this prediction has not been confirmed by published transcriptional studies. This variant has not been reported in the literature in individuals with PIGN-related conditions. This variant is not present in population databases (ExAC no frequency). This sequence change falls in intron 25 of the PIGN gene. It does not directly change the encoded amino acid sequence of the PIGN protein.